The following is an entry in ClinVar:

NM_024036.5(LRFN4):c.1440C>T (p.Ala480=)

Genes: LRFN4 (leucine rich repeat and fibronectin type III domain containing 4; plus strand), PC (pyruvate carboxylase; minus strand). Cytogenetic location: 11q13.2.
Variant type: single nucleotide variant.
Coding change: c.1440C>T on transcript NM_024036.5 (MANE Select); coding-DNA position 1440, C replaced by T.
Protein change: p.Ala480=; no amino-acid change (alanine 480 retained).
Molecular consequence: synonymous variant. On other transcripts: intron variant (3).
Genome position (GRCh38, 1-based): chr11:66,859,727, C>T. VCF-style: chr11-66859727-C-T. GRCh37 (hg19) VCF-style: chr11-66627198-C-T.
Other names: c.1440C>T, p.Ala480= (NM_001363524.2); c.1368+4047G>A (NM_000920.4, NM_001040716.2, NM_022172.3).
Identifiers: ClinVar variation 3388313 (VCV003388313.14).

ClinVar aggregate classification (germline): Likely benign (1 of 4 stars; one submission).

gnomAD v4.1: 495 of 1,611,084 alleles (0.031%); highest among the groups gnomAD compares: Non-Finnish European, 0.04%; no homozygotes.

Submission:

CeGaT Center for Human Genetics Tuebingen
Classification: Likely benign. Last evaluated: 2024-10-01. Review status: criteria provided, single submitter. Criteria: CeGaT Center For Human Genetics Tuebingen Variant Classification Criteria Version 2. Collection method: clinical testing. Allele origin: germline. Affected: yes. Observed: 1 variant allele.
Comment: LRFN4: BP4, BP7